The following is an entry in ClinVar:

ClinVar aggregate classification (germline): Uncertain significance (1 of 4 stars; one submission).

Conditions:
POLD1-related polyposis and colorectal cancer syndrome (CRCS10). Also called: Colorectal cancer, susceptibility to, 10; Colorectal cancer 10; COLORECTAL CANCER, SUSCEPTIBILITY TO, ON CHROMOSOME 19q. Identifiers: Orphanet 220460, MedGen C2675481, MONDO:0012953, OMIM 612591.

Submission:

Labcorp Genetics (formerly Invitae), Labcorp
Classification: Uncertain significance for POLD1-related polyposis and colorectal cancer syndrome. Last evaluated: 2025-10-05. Review status: criteria provided, single submitter. Criteria: Invitae Variant Classification Sherloc (09022015). Collection method: clinical testing. Allele origin: germline.
Comment: This sequence change replaces tryptophan, which is neutral and slightly polar, with glycine, which is neutral and non-polar, at codon 1055 of the POLD1 protein (p.Trp1055Gly). This variant is not present in population databases (gnomAD no frequency). This variant has not been reported in the literature in individuals affected with POLD1-related conditions. ClinVar contains an entry for this variant (Variation ID: 658554). Invitae Evidence Modeling of protein sequence and biophysical properties (such as structural, functional, and spatial information, amino acid conservation, physicochemical variation, residue mobility, and thermodynamic stability) indicates that this missense variant is expected to disrupt POLD1 protein function with a positive predictive value of 80%. In summary, the available evidence is currently insufficient to determine the role of this variant in disease. Therefore, it has been classified as a Variant of Uncertain Significance.

NM_002691.4(POLD1):c.3163T>G (p.Trp1055Gly)

Gene: POLD1 (DNA polymerase delta 1, catalytic subunit; plus strand). Cytogenetic location: 19q13.33.
Variant type: single nucleotide variant.
Coding change: c.3163T>G on transcript NM_002691.4 (MANE Select); coding-DNA position 3163, T replaced by G.
Protein change: p.Trp1055Gly; replaces tryptophan 1055 with glycine.
Molecular consequence: missense variant. On other transcripts: non-coding transcript variant (1).
Genome position (GRCh38, 1-based): chr19:50,417,214, T>G. VCF-style: chr19-50417214-T-G. GRCh37 (hg19) VCF-style: chr19-50920471-T-G.
Other names: c.3163T>G, p.Trp1055Gly (NM_001256849.1); c.3241T>G, p.Trp1081Gly (NM_001308632.1); short protein forms W1081G, W1055G.
Identifiers: ClinVar variation 658554 (VCV000658554.8), dbSNP rs1601249847, ClinGen allele CA406987379.
Genomic context (GRCh38, chr19:50,417,214, plus strand): 5'-AGCCGCTGCCGTCCCCAGGTATCCCATCTGAATGCCCTGGAGGAGCGCTTCTCGCGCCTC[T>G]GGACGCAGTGCCAGCGCTGCCAGGGCAGCCTGCACGAGGACGTCATCTGCACCAGGTGTG-3'
Protein context (NP_002682.2, residues 1045-1065): NALEERFSRL[Trp1055Gly]TQCQRCQGSL